The following is an entry in ClinVar:

NC_000011.9:g.(?_22215039)_(22249152_?)dup

Gene: ANO5 (anoctamin 5; plus strand). Cytogenetic location: 11p14.3.
Variant type: Duplication.
Identifiers: ClinVar variation 1440867 (VCV001440867.7).

ClinVar aggregate classification (germline): Uncertain significance (1 of 4 stars; one submission).

Conditions:
Gnathodiaphyseal dysplasia (GDD). Also called: GNATHODIAPHYSEAL SCLEROSIS; OSTEOGENESIS IMPERFECTA WITH UNUSUAL SKELETAL LESIONS. Identifiers: Orphanet 53697, MedGen C1833736, MONDO:0008151, OMIM 166260.
Autosomal recessive limb-girdle muscular dystrophy type 2L (LGMDR12). Also called: Limb-girdle muscular dystrophy, type 2L; Limb-Girdle Muscular Dystrophy R12 Anoctamin-5-Related (LGMD-R12); MUSCULAR DYSTROPHY, LIMB-GIRDLE, AUTOSOMAL RECESSIVE 12. Identifiers: Orphanet 206549, MedGen C1969785, MONDO:0012652, OMIM 611307.

Submission:

Labcorp Genetics (formerly Invitae), Labcorp
Classification: Uncertain significance for Autosomal recessive limb-girdle muscular dystrophy type 2L; Gnathodiaphyseal dysplasia. Last evaluated: 2023-08-11. Review status: criteria provided, single submitter. Criteria: Invitae Variant Classification Sherloc (09022015). Collection method: clinical testing. Allele origin: germline.
Comment: This variant results in a copy number gain of the genomic region encompassing exon(s) 1-7 of the ANO5 gene. This region includes the initiator codon of the gene. This copy number gain extends beyond the assayed region for this gene and therefore may encompass additional genes. As the precise location of this event is unknown, it may be in tandem or it may be located elsewhere in the genome. This variant has not been reported in the literature in individuals affected with ANO5-related conditions. In summary, the available evidence is currently insufficient to determine the role of this variant in disease. Therefore, it has been classified as a Variant of Uncertain Significance.